The following is an entry in ClinVar:

NM_001372044.2(SHANK3):c.2294C>T (p.Thr765Ile)

Gene: SHANK3 (SH3 and multiple ankyrin repeat domains 3; plus strand). Cytogenetic location: 22q13.33.
Variant type: single nucleotide variant.
Coding change: c.2294C>T on transcript NM_001372044.2 (MANE Select); coding-DNA position 2294, C replaced by T.
Protein change: p.Thr765Ile; replaces threonine 765 with isoleucine.
Molecular consequence: missense variant.
Genome position (GRCh38, 1-based): chr22:50,706,111, C>T. VCF-style: chr22-50706111-C-T. GRCh37 (hg19) VCF-style: chr22-51144539-C-T.
Other names: c.2069C>T (NM_033517.1); short protein forms T765I.
Identifiers: ClinVar variation 1676926 (VCV001676926.2), dbSNP rs2146810295, ClinGen allele CA515257236.

ClinVar aggregate classification (germline): Uncertain significance (1 of 4 stars; one submission).

Allele frequency attached by ClinVar (database versions not stated): gnomAD exomes below 0.00001.

Submission:

GeneDx
Classification: Uncertain significance. Last evaluated: 2022-03-29. Review status: criteria provided, single submitter. Criteria: GeneDx Variant Classification Process June 2021. Collection method: clinical testing. Allele origin: germline. Affected: yes.
Comment: Not observed at significant frequency in large population cohorts (gnomAD); In silico analysis supports that this missense variant has a deleterious effect on protein structure/function; Has not been previously published as pathogenic or benign to our knowledge